The following is an entry in ClinVar:

NM_001424.6(EMP2):c.219T>C (p.Ile73=)

Gene: EMP2 (epithelial membrane protein 2; minus strand). Cytogenetic location: 16p13.13.
Variant type: single nucleotide variant.
Coding change: c.219T>C on transcript NM_001424.6 (MANE Select); coding-DNA position 219, T replaced by C.
Protein change: p.Ile73=; no amino-acid change (isoleucine 73 retained).
Molecular consequence: synonymous variant.
Genome position (GRCh38, 1-based): chr16:10,538,025, A>G on the plus strand (T>C on the coding strand, the complement: EMP2 is on the minus strand). VCF-style: chr16-10538025-A-G. GRCh37 (hg19) VCF-style: chr16-10631882-A-G.
Identifiers: ClinVar variation 3042834 (VCV003042834.2), dbSNP rs775265546, ClinGen allele CA7897810.

ClinVar aggregate classification (germline): Likely benign (0 of 4 stars; one submission).

Conditions:
EMP2-related disorder. Also called: EMP2-related condition.

Allele frequency attached by ClinVar (database versions not stated): ExAC 0.00002; gnomAD 0.00003; TOPMed 0.00003; gnomAD exomes 0.00006.
gnomAD v4.1: 85 of 1,613,920 alleles (0.0053%); highest among the groups gnomAD compares: Non-Finnish European, 0.0071%; no homozygotes.

Submission:

PreventionGenetics, part of Exact Sciences
Classification: Likely benign for EMP2-related condition. Last evaluated: 2019-06-28. Review status: no assertion criteria provided. Collection method: clinical testing. Allele origin: germline.
Comment: This variant is classified as likely benign based on ACMG/AMP sequence variant interpretation guidelines (Richards et al. 2015 PMID: 25741868, with internal and published modifications).